The following is an entry in ClinVar:

NM_001378120.1(MBD5):c.2127T>C (p.Ser709=)

Gene: MBD5 (methyl-CpG binding domain protein 5; plus strand). Cytogenetic location: 2q23.1.
Variant type: single nucleotide variant.
Coding change: c.2127T>C on transcript NM_001378120.1 (MANE Select); coding-DNA position 2127, T replaced by C.
Protein change: p.Ser709=; no amino-acid change (serine 709 retained).
Molecular consequence: synonymous variant.
Genome position (GRCh38, 1-based): chr2:148,470,070, T>C. VCF-style: chr2-148470070-T-C. GRCh37 (hg19) VCF-style: chr2-149227639-T-C.
Other names: c.2127T>C, p.Ser709= (NM_018328.5).
Identifiers: ClinVar variation 514835 (VCV000514835.1), dbSNP rs763873615, ClinGen allele CA1900100.

ClinVar aggregate classification (germline): Likely benign (1 of 4 stars; one submission).

Allele frequency attached by ClinVar (database versions not stated): gnomAD below 0.00001 and 0.00002; gnomAD exomes 0.00001 and 0.00004; ExAC 0.00006.
gnomAD v4.1: 24 of 1,613,746 alleles (0.0015%); highest among the groups gnomAD compares: South Asian, 0.022%; no homozygotes.

Submission:

GeneDx
Classification: Likely benign. Last evaluated: 2018-01-23. Review status: criteria provided, single submitter. Criteria: GeneDx Variant Classification (06012015). Collection method: clinical testing. Allele origin: germline. Affected: yes.
Comment: This variant is considered likely benign or benign based on one or more of the following criteria: it is a conservative change, it occurs at a poorly conserved position in the protein, it is predicted to be benign by multiple in silico algorithms, and/or has population frequency not consistent with disease.